The following is an entry in ClinVar:

ClinVar aggregate classification (germline): Likely pathogenic (1 of 4 stars; one submission).

Conditions:
Autosomal recessive limb-girdle muscular dystrophy type 2J (LGMDR10). Also called: Limb-girdle muscular dystrophy, type 2J; MUSCULAR DYSTROPHY, LIMB-GIRDLE, AUTOSOMAL RECESSIVE 10. Identifiers: Orphanet 140922, MedGen C1837342, MONDO:0012127, OMIM 608807.
Dilated cardiomyopathy 1G (CMD1G). Identifiers: Orphanet 154, MedGen C1858763, MONDO:0011400, OMIM 604145.

Submission:

Labcorp Genetics (formerly Invitae), Labcorp
Classification: Likely pathogenic for Dilated cardiomyopathy 1G; Autosomal recessive limb-girdle muscular dystrophy type 2J. Last evaluated: 2025-11-03. Review status: criteria provided, single submitter. Criteria: Invitae Variant Classification Sherloc (09022015). Collection method: clinical testing. Allele origin: germline.
Comment: This sequence change creates a premature translational stop signal (p.Glu1215Lysfs*10) in the TTN gene. While this is not anticipated to result in nonsense mediated decay, it is expected to create a truncated TTN protein. This variant is not present in population databases (gnomAD no frequency). This variant has not been reported in the literature in individuals affected with TTN-related conditions. This variant is located in the Z band of TTN (PMID: 25589632). Truncating variants in this region have been reported in individuals affected with autosomal recessive centronuclear myopathy (PMID: 33449170, internal data). Truncating variants in this region have also been identified in individuals affected with autosomal dominant dilated cardiomyopathy and/or cardio-related conditions (PMID: 27869827, 32964742, internal data). In summary, the currently available evidence indicates that the variant is pathogenic, but additional data are needed to prove that conclusively. Therefore, this variant has been classified as Likely Pathogenic.

Literature cited by the submitters: PubMed 25589632; PubMed 33449170; PubMed 27869827; PubMed 32964742.

NM_001267550.2(TTN):c.3643del (p.Glu1215fs)

Gene: TTN (titin; minus strand). Cytogenetic location: 2q31.2.
Variant type: Deletion.
Coding change: c.3643del on transcript NM_001267550.2 (MANE Select); coding-DNA position 3643, one base deleted (G; older notation c.3643delG).
Protein change: p.Glu1215fs; shifts the reading frame from glutamic acid 1215.
Molecular consequence: frameshift variant.
Genome position (GRCh38, 1-based): chr2:178,780,086, C deleted on the plus strand (G on the coding strand, the reverse complement: TTN is on the minus strand). VCF-style (leftmost placement, unchanged base first): chr2-178780085-TC-T. GRCh37 (hg19) VCF-style: chr2-179644812-TC-T.
Other names: c.3643del, p.Glu1215fs (NM_001256850.1, NM_133378.4, NM_133379.5); c.3505del, p.Glu1169fs (NM_003319.4, NM_133432.3, NM_133437.4); short protein forms E1169fs, E1215fs.
Identifiers: ClinVar variation 4786593 (VCV004786593.1).
Genomic context (GRCh38, chr2:178,780,085, plus strand): 5'-ACTACAGTATCTTTGGCCATTTTCTTCCTAATTAAGGCTTGTTCTTTTTCATACTCTTTT[TC>T]ATACTCAGAGTATACAAATCCAGGTGCTGTTTCTCCAACTTTAGGTTCTTGAACAAATGC-3'